The following is an entry in ClinVar:

ClinVar aggregate classification (germline): Uncertain significance (1 of 4 stars; one submission).

gnomAD v4.1: 4 of 1,614,100 alleles (0.00025%); highest among the groups gnomAD compares: Non-Finnish European, 0.00034%; no homozygotes.

Submission:

Labcorp Genetics (formerly Invitae), Labcorp
Classification: Uncertain significance. Last evaluated: 2024-02-25. Review status: criteria provided, single submitter. Criteria: Invitae Variant Classification Sherloc (09022015). Collection method: clinical testing. Allele origin: germline.
Comment: This sequence change replaces alanine, which is neutral and non-polar, with threonine, which is neutral and polar, at codon 936 of the MICAL1 protein (p.Ala936Thr). This variant is not present in population databases (gnomAD no frequency). This variant has not been reported in the literature in individuals affected with MICAL1-related conditions. An algorithm developed to predict the effect of missense changes on protein structure and function (PolyPhen-2) suggests that this variant is likely to be disruptive. In summary, the available evidence is currently insufficient to determine the role of this variant in disease. Therefore, it has been classified as a Variant of Uncertain Significance.

NM_022765.4(MICAL1):c.2749G>A (p.Ala917Thr)

Gene: MICAL1 (microtubule associated monooxygenase, calponin and LIM domain containing 1; minus strand). Cytogenetic location: 6q21.
Variant type: single nucleotide variant.
Coding change: c.2749G>A on transcript NM_022765.4 (MANE Select); coding-DNA position 2749, G replaced by A.
Protein change: p.Ala917Thr; replaces alanine 917 with threonine.
Molecular consequence: missense variant.
Genome position (GRCh38, 1-based): chr6:109,445,454, C>T on the plus strand (G>A on the coding strand, the complement: MICAL1 is on the minus strand). VCF-style: chr6-109445454-C-T. GRCh37 (hg19) VCF-style: chr6-109766657-C-T.
Other names: c.2491G>A, p.Ala831Thr (NM_001159291.2); c.2806G>A, p.Ala936Thr (NM_001286613.2); short protein forms A936T, A831T, A917T.
Identifiers: ClinVar variation 3677207 (VCV003677207.2).
Genomic context (GRCh38, chr6:109,445,454, plus strand): 5'-TTTGGGAACCCCCGGGCTTCACCTGGGCCTTGCAGAACCTCTTCATCTCCTCCTCCTTCG[C>T]ACGGCGCAGCAGAGTCCGACGCCATGTTGGGTAGTTATTCATGGTGCCTGAGGTCTTGGC-3'
Protein context (NP_073602.3, residues 907-927): PTWRRTLLRR[Ala917Thr]KEEEMKRFCK